The following is an entry in ClinVar:

ClinVar aggregate classification (germline): Uncertain significance (1 of 4 stars; one submission).

Conditions:
Hypertrophic cardiomyopathy 11. Also called: ACTC1-Related Familial Hypertrophic Cardiomyopathy. Identifiers: MedGen C2677506, MONDO:0012799, OMIM 612098.
Dilated cardiomyopathy 1R (CMD1R). Identifiers: Orphanet 154, Orphanet 54260, MedGen C3150681, MONDO:0013261, OMIM 613424.
Atrial septal defect 5 (ASD5). Identifiers: Orphanet 1478, MedGen C2748552, MONDO:0013011, OMIM 612794.

Submission:

Labcorp Genetics (formerly Invitae), Labcorp
Classification: Uncertain significance for Dilated cardiomyopathy 1R; Hypertrophic cardiomyopathy 11; Atrial septal defect 5. Last evaluated: 2024-02-08. Review status: criteria provided, single submitter. Criteria: Invitae Variant Classification Sherloc (09022015). Collection method: clinical testing. Allele origin: germline.
Comment: This sequence change creates a premature translational stop signal (p.Ala312Leufs*16) in the ACTC1 gene. While this is not anticipated to result in nonsense mediated decay, it is expected to disrupt the last 66 amino acid(s) of the ACTC1 protein. Information on the frequency of this variant in the gnomAD database is not available, as this variant may be reported differently in the database. This variant has not been reported in the literature in individuals affected with ACTC1-related conditions. In summary, the available evidence is currently insufficient to determine the role of this variant in disease. Therefore, it has been classified as a Variant of Uncertain Significance.

NM_005159.5(ACTC1):c.934_935delinsT (p.Ala312fs)

Genes: ACTC1 (actin alpha cardiac muscle 1; minus strand), GJD2-DT (GJD2 divergent transcript; plus strand). Cytogenetic location: 15q14.
Variant type: Indel.
Coding change: c.934_935delinsT on transcript NM_005159.5 (MANE Select); coding-DNA positions 934 to 935, GC replaced by T.
Protein change: p.Ala312fs; shifts the reading frame from alanine 312.
Molecular consequence: frameshift variant.
Genome position (GRCh38, 1-based): chr15:34,791,169-34,791,170, GC replaced by A on the plus strand (GC replaced by T on the coding strand, the reverse complement: ACTC1 is on the minus strand). VCF-style: chr15-34791169-GC-A. GRCh37 (hg19) VCF-style: chr15-35083370-GC-A.
Other names: c.934_935delinsT (LRG_388t1); short protein forms A312fs.
Identifiers: ClinVar variation 644014 (VCV000644014.5), dbSNP rs1595760229, ClinGen allele CA915946508.